The following is an entry in ClinVar:

ClinVar aggregate classification (germline): Uncertain significance. Review status: criteria provided, multiple submitters, no conflicts (2 of 4 stars). 2 submissions from 2 submitters: Uncertain significance (2). Last evaluated 2025-06-03.

Conditions:
Lamb-Shaffer syndrome. Identifiers: Orphanet 313884, Orphanet 313892, Orphanet 530983, MedGen C4225202, MONDO:0014778, OMIM 616803.

Submissions (2):

Women's Health and Genetics/Laboratory Corporation of America, LabCorp
Classification: Uncertain significance. Last evaluated: 2025-06-03. Review status: criteria provided, single submitter. Criteria: LabCorp Variant Classification Summary - May 2015. Collection method: clinical testing. Allele origin: germline.
Comment: Variant summary: SOX5 c.211T>C (p.Ser71Pro) results in a non-conservative amino acid change in the encoded protein sequence. Algorithms developed to predict the effect of missense changes on protein structure and function all suggest that this variant is likely to be disruptive. The variant was absent in 251232 control chromosomes. The available data on variant occurrences in the general population are insufficient to allow any conclusion about variant significance. To our knowledge, no occurrence of c.211T>C in individuals affected with Lamb-Shaffer Syndrome and no experimental evidence demonstrating its impact on protein function have been reported. ClinVar contains an entry for this variant (Variation ID: 1027695). Based on the evidence outlined above, the variant was classified as uncertain significance.

Baylor Genetics
Classification: Uncertain significance for Lamb-Shaffer syndrome. Last evaluated: 2020-08-31. Review status: criteria provided, single submitter. Criteria: ACMG Guidelines, 2015. Collection method: clinical testing. Allele origin: unknown. Affected: yes.
Comment: This variant was determined to be of uncertain significance according to ACMG Guidelines, 2015 [PMID:25741868].

NM_006940.6(SOX5):c.211T>C (p.Ser71Pro)

Gene: SOX5 (SRY-box transcription factor 5; minus strand). Cytogenetic location: 12p12.1.
Variant type: single nucleotide variant.
Coding change: c.211T>C on transcript NM_006940.6 (MANE Select); coding-DNA position 211, T replaced by C.
Protein change: p.Ser71Pro; replaces serine 71 with proline.
Molecular consequence: missense variant. On other transcripts: intron variant (1).
Genome position (GRCh38, 1-based): chr12:23,895,852, A>G on the plus strand (T>C on the coding strand, the complement: SOX5 is on the minus strand). VCF-style: chr12-23895852-A-G. GRCh37 (hg19) VCF-style: chr12-24048786-A-G.
Other names: c.172T>C, p.Ser58Pro (NM_001261414.3, NM_152989.5); c.181T>C, p.Ser61Pro (NM_001261415.3); c.165+46T>C (NM_001330785.2); short protein forms S58P, S61P, S71P.
Identifiers: ClinVar variation 1027695 (VCV001027695.2), dbSNP rs2097171827, ClinGen allele CA384321467.